The following is an entry in ClinVar:

ClinVar aggregate classification (germline): Uncertain significance (1 of 4 stars; one submission).

gnomAD v4.1: 19 of 1,614,030 alleles (0.0012%); highest among the groups gnomAD compares: Non-Finnish European, 0.0011%; no homozygotes.

Submission:

Labcorp Genetics (formerly Invitae), Labcorp
Classification: Uncertain significance. Last evaluated: 2023-07-03. Review status: criteria provided, single submitter. Criteria: Invitae Variant Classification Sherloc (09022015). Collection method: clinical testing. Allele origin: germline.
Comment: In summary, the available evidence is currently insufficient to determine the role of this variant in disease. Therefore, it has been classified as a Variant of Uncertain Significance. An algorithm developed to predict the effect of missense changes on protein structure and function (PolyPhen-2) suggests that this variant is likely to be tolerated. ClinVar contains an entry for this variant (Variation ID: 1904148). This variant has not been reported in the literature in individuals affected with TSEN34-related conditions. This variant is present in population databases (rs200300601, gnomAD 0.02%). This sequence change replaces aspartic acid with glutamic acid at codon 296 of the TSEN34 protein (p.Asp296Glu). The aspartic acid residue is weakly conserved and there is a small physicochemical difference between aspartic acid and glutamic acid.

NM_001077446.4(TSEN34):c.888T>A (p.Asp296Glu)

Gene: TSEN34 (tRNA splicing endonuclease subunit 34; plus strand). Cytogenetic location: 19q13.42.
Variant type: single nucleotide variant.
Coding change: c.888T>A on transcript NM_001077446.4 (MANE Select); coding-DNA position 888, T replaced by A.
Protein change: p.Asp296Glu; replaces aspartic acid 296 with glutamic acid.
Molecular consequence: missense variant.
Genome position (GRCh38, 1-based): chr19:54,193,317, T>A. VCF-style: chr19-54193317-T-A. GRCh37 (hg19) VCF-style: chr19-54697172-T-A.
Other names: c.888T>A, p.Asp296Glu (NM_001282332.2, NM_001282333.2, NM_001386740.1 and 1 more transcripts); short protein forms D296E.
Identifiers: ClinVar variation 1904148 (VCV001904148.5), dbSNP rs200300601, ClinGen allele CA309376439.